The following is an entry in ClinVar:

NM_001184.4(ATR):c.3889del (p.Val1297fs)

Gene: ATR (ATR checkpoint kinase; minus strand). Cytogenetic location: 3q23.
Variant type: Deletion.
Coding change: c.3889del on transcript NM_001184.4 (MANE Select); coding-DNA position 3889, one base deleted (G; older notation c.3889delG).
Protein change: p.Val1297fs; shifts the reading frame from valine 1297.
Molecular consequence: frameshift variant.
Genome position (GRCh38, 1-based): chr3:142,535,136, C deleted on the plus strand (G on the coding strand, the reverse complement: ATR is on the minus strand). VCF-style (leftmost placement, unchanged base first): chr3-142535135-AC-A. GRCh37 (hg19) VCF-style: chr3-142253977-AC-A.
Other names: c.3697del, p.Val1233fs (NM_001354579.2); short protein forms V1297fs, V1233fs.
Identifiers: ClinVar variation 3714163 (VCV003714163.2).

ClinVar aggregate classification (germline): Pathogenic (1 of 4 stars; one submission).

Submission:

Labcorp Genetics (formerly Invitae), Labcorp
Classification: Pathogenic. Last evaluated: 2025-01-18. Review status: criteria provided, single submitter. Criteria: Invitae Variant Classification Sherloc (09022015). Collection method: clinical testing. Allele origin: germline.
Comment: This sequence change creates a premature translational stop signal (p.Val1297Serfs*11) in the ATR gene. It is expected to result in an absent or disrupted protein product. Loss-of-function variants in ATR are known to be pathogenic (PMID: 21228398, 23144622). This variant is present in population databases (rs777280689, gnomAD 0.03%). This premature translational stop signal has been observed in individual(s) with pancreatic and/or breast cancer (PMID: 28687971, 30262796). For these reasons, this variant has been classified as Pathogenic.

Literature cited by the submitters: PubMed 21228398; PubMed 23144622; PubMed 28687971; PubMed 30262796.